The following is an entry in ClinVar:

NM_001999.4(FBN2):c.7013-7del

Gene: FBN2 (fibrillin 2; minus strand). Cytogenetic location: 5q23.3.
Variant type: Deletion.
Coding change: c.7013-7del on transcript NM_001999.4 (MANE Select); 7 bases into the intron before coding-DNA position 7013, one base deleted (T; older notation c.7013-7delT).
Molecular consequence: intron variant.
Genome position (GRCh38, 1-based): chr5:128,280,324, A deleted on the plus strand (T on the coding strand, the reverse complement: FBN2 is on the minus strand); the first of 5 consecutive A bases (chr5:128,280,324-128,280,328); deleting any one gives the same sequence. VCF-style (leftmost placement, unchanged base first): chr5-128280323-GA-G. GRCh37 (hg19) VCF-style: chr5-127616015-GA-G.
Other names: c.7013-7delT (NM_001999.3).
Identifiers: ClinVar variation 511031 (VCV000511031.1), dbSNP rs1554117268, ClinGen allele CA658796628.

ClinVar aggregate classification (germline): Likely benign (1 of 4 stars; one submission).

Submission:

GeneDx
Classification: Likely benign. Last evaluated: 2017-07-24. Review status: criteria provided, single submitter. Criteria: GeneDx Variant Classification (06012015). Collection method: clinical testing. Allele origin: germline. Affected: yes.
Comment: This variant is considered likely benign or benign based on one or more of the following criteria: it is a conservative change, it occurs at a poorly conserved position in the protein, it is predicted to be benign by multiple in silico algorithms, and/or has population frequency not consistent with disease.